The following is an entry in ClinVar:

NM_001040108.2(MLH3):c.993G>C (p.Gln331His)

Gene: MLH3 (mutL homolog 3; minus strand). Cytogenetic location: 14q24.3.
Variant type: single nucleotide variant.
Coding change: c.993G>C on transcript NM_001040108.2 (MANE Select); coding-DNA position 993, G replaced by C.
Protein change: p.Gln331His; replaces glutamine 331 with histidine.
Molecular consequence: missense variant.
Genome position (GRCh38, 1-based): chr14:75,048,663, C>G on the plus strand (G>C on the coding strand, the complement: MLH3 is on the minus strand). VCF-style: chr14-75048663-C-G. GRCh37 (hg19) VCF-style: chr14-75515366-C-G.
Other names: c.993G>C, p.Gln331His (NM_014381.3); short protein forms Q331H.
Identifiers: ClinVar variation 5024596 (VCV005024596.1).

ClinVar aggregate classification (germline): Uncertain significance (1 of 4 stars; one submission).

Submission:

Ambry Genetics
Classification: Uncertain significance. Last evaluated: 2026-07-20. Review status: criteria provided, single submitter. Criteria: Ambry Variant Classification Scheme 2023. Collection method: clinical testing. Allele origin: germline.
Comment: The p.Q331H variant (also known as c.993G>C), located in coding exon 1 of the MLH3 gene, results from a G to C substitution at nucleotide position 993. The glutamine at codon 331 is replaced by histidine, an amino acid with highly similar properties. This amino acid position is conserved. In addition, this alteration is predicted to be tolerated by in silico analysis. Based on the available evidence, the clinical significance of this variant remains unclear.